The following is an entry in ClinVar:

NM_005732.4(RAD50):c.3121C>A (p.His1041Asn)

Gene: RAD50 (RAD50 double strand break repair protein; plus strand). Cytogenetic location: 5q31.1.
Variant type: single nucleotide variant.
Coding change: c.3121C>A on transcript NM_005732.4 (MANE Select); coding-DNA position 3121, C replaced by A.
Protein change: p.His1041Asn; replaces histidine 1041 with asparagine.
Molecular consequence: missense variant.
Genome position (GRCh38, 1-based): chr5:132,616,087, C>A. VCF-style: chr5-132616087-C-A. GRCh37 (hg19) VCF-style: chr5-131951779-C-A.
Other names: short protein forms H1041N.
Identifiers: ClinVar variation 1727869 (VCV001727869.3), dbSNP rs2149852989, ClinGen allele CA360963733.

ClinVar aggregate classification (germline): Uncertain significance (1 of 4 stars; one submission).

Conditions:
Hereditary cancer-predisposing syndrome. Also called: Tumor predisposition; Neoplastic Syndromes, Hereditary; Hereditary Cancer Syndrome; Hereditary neoplastic syndrome. Identifiers: Orphanet 140162, MedGen C0027672, MeSH D009386, MONDO:0015356.

Submission:

Ambry Genetics
Classification: Uncertain significance for Hereditary cancer-predisposing syndrome. Last evaluated: 2023-09-05. Review status: criteria provided, single submitter. Criteria: Ambry Variant Classification Scheme 2023. Collection method: clinical testing. Allele origin: germline.
Comment: The p.H1041N variant (also known as c.3121C>A), located in coding exon 20 of the RAD50 gene, results from a C to A substitution at nucleotide position 3121. The histidine at codon 1041 is replaced by asparagine, an amino acid with similar properties. This amino acid position is not well conserved in available vertebrate species. In addition, this alteration is predicted to be tolerated by in silico analysis. Since supporting evidence is limited at this time, the clinical significance of this alteration remains unclear.